The following is an entry in ClinVar:

ClinVar aggregate classification (germline): Likely benign. Review status: criteria provided, multiple submitters, no conflicts (2 of 4 stars). 3 submissions from 3 submitters: Likely benign (2). 1 of the submissions does not count toward it. Last evaluated 2025-10-12.

Conditions:
Inborn genetic diseases. Identifiers: MedGen C0950123, MeSH D030342.
DDX41-related disorder. Also called: DDX41-related condition.

Allele frequency attached by ClinVar (database versions not stated): ExAC 0.00007; ESP Exome Variant Server 0.00008; 1000 Genomes Project 30x 0.00016; TOPMed 0.00016; 1000 Genomes Project 0.00020; gnomAD 0.00020.
gnomAD v4.1: 57 of 1,613,710 alleles (0.0035%); highest among the groups gnomAD compares: African/African-American, 0.057%; no homozygotes.

Submissions (3):

Labcorp Genetics (formerly Invitae), Labcorp
Classification: Likely benign. Last evaluated: 2025-10-12. Review status: criteria provided, single submitter. Criteria: Invitae Variant Classification Sherloc (09022015). Collection method: clinical testing. Allele origin: germline.

Ambry Genetics
Classification: Likely benign for Inborn genetic diseases. Last evaluated: 2024-08-21. Review status: criteria provided, single submitter. Criteria: Ambry Variant Classification Scheme 2023. Collection method: clinical testing. Allele origin: germline.

PreventionGenetics, part of Exact Sciences
Classification: Likely benign for DDX41-related condition. Last evaluated: 2022-05-23. Review status: no assertion criteria provided. Collection method: clinical testing. Allele origin: germline. Not counted in ClinVar's aggregate classification.
Comment: This variant is classified as likely benign based on ACMG/AMP sequence variant interpretation guidelines (Richards et al. 2015 PMID: 25741868, with internal and published modifications).

NM_016222.4(DDX41):c.1644C>T (p.Leu548=)

Gene: DDX41 (DEAD-box helicase 41; minus strand). Cytogenetic location: 5q35.3.
Variant type: single nucleotide variant.
Coding change: c.1644C>T on transcript NM_016222.4 (MANE Select); coding-DNA position 1644, C replaced by T.
Protein change: p.Leu548=; no amino-acid change (leucine 548 retained).
Molecular consequence: synonymous variant.
Genome position (GRCh38, 1-based): chr5:177,512,184, G>A on the plus strand (C>T on the coding strand, the complement: DDX41 is on the minus strand). VCF-style: chr5-177512184-G-A. GRCh37 (hg19) VCF-style: chr5-176939185-G-A.
Other names: c.1644C>T (NM_016222.3, NM_016222.2); c.1266C>T, p.Leu422= (NM_001321732.2, NM_001321830.2).
Identifiers: ClinVar variation 2712709 (VCV002712709.6), dbSNP rs146668975, ClinGen allele CA3584653.